The following is an entry in ClinVar:

ClinVar aggregate classification (germline): Uncertain significance (1 of 4 stars; one submission).

Allele frequency attached by ClinVar (database versions not stated): ExAC 0.00001.
gnomAD v4.1: 1 of 1,608,804 alleles (0.000062%); highest among the groups gnomAD compares: Non-Finnish European, 0.000085%; no homozygotes.

Submission:

Labcorp Genetics (formerly Invitae), Labcorp
Classification: Uncertain significance. Last evaluated: 2022-10-19. Review status: criteria provided, single submitter. Criteria: Invitae Variant Classification Sherloc (09022015). Collection method: clinical testing. Allele origin: germline.
Comment: In summary, the available evidence is currently insufficient to determine the role of this variant in disease. Therefore, it has been classified as a Variant of Uncertain Significance. Algorithms developed to predict the effect of missense changes on protein structure and function output the following: SIFT: "Tolerated"; PolyPhen-2: "Benign"; Align-GVGD: "Class C0". The alanine amino acid residue is found in multiple mammalian species, which suggests that this missense change does not adversely affect protein function. This variant has not been reported in the literature in individuals affected with TRPV3-related conditions. The frequency data for this variant in the population databases is considered unreliable, as metrics indicate poor data quality at this position in the gnomAD database. This sequence change replaces valine, which is neutral and non-polar, with alanine, which is neutral and non-polar, at codon 93 of the TRPV3 protein (p.Val93Ala).

NM_145068.4(TRPV3):c.278T>C (p.Val93Ala)

Gene: TRPV3 (transient receptor potential cation channel subfamily V member 3; minus strand). Cytogenetic location: 17p13.2.
Variant type: single nucleotide variant.
Coding change: c.278T>C on transcript NM_145068.4 (MANE Select); coding-DNA position 278, T replaced by C.
Protein change: p.Val93Ala; replaces valine 93 with alanine.
Molecular consequence: missense variant.
Genome position (GRCh38, 1-based): chr17:3,544,612, A>G on the plus strand (T>C on the coding strand, the complement: TRPV3 is on the minus strand). VCF-style: chr17-3544612-A-G. GRCh37 (hg19) VCF-style: chr17-3447906-A-G.
Other names: c.278T>C, p.Val93Ala (NM_001258205.2); short protein forms V93A.
Identifiers: ClinVar variation 1923740 (VCV001923740.5), dbSNP rs757374291, ClinGen allele CA8289912.